The following is an entry in ClinVar:

ClinVar aggregate classification (germline): Pathogenic (1 of 4 stars; one submission).

Submission:

Labcorp Genetics (formerly Invitae), Labcorp
Classification: Pathogenic. Last evaluated: 2022-10-27. Review status: criteria provided, single submitter. Criteria: Invitae Variant Classification Sherloc (09022015). Collection method: clinical testing. Allele origin: germline.
Comment: This variant has not been reported in the literature in individuals affected with MSH3-related conditions. This variant is not present in population databases (gnomAD no frequency). This sequence change creates a premature translational stop signal (p.Lys382Argfs*32) in the MSH3 gene. It is expected to result in an absent or disrupted protein product. Loss-of-function variants in MSH3 are known to be pathogenic (PMID: 27476653). For these reasons, this variant has been classified as Pathogenic.

Literature cited by the submitters: PubMed 27476653.

NM_002439.5(MSH3):c.1145_1148del (p.Lys382fs)

Gene: MSH3 (mutS homolog 3; plus strand). Cytogenetic location: 5q14.1.
Variant type: Deletion.
Coding change: c.1145_1148del on transcript NM_002439.5 (MANE Select); coding-DNA positions 1145 to 1148, 4 bases deleted (AAAA; older notation c.1145_1148delAAAA).
Protein change: p.Lys382fs; shifts the reading frame from lysine 382.
Molecular consequence: frameshift variant.
Genome position (GRCh38, 1-based): chr5:80,675,100-80,675,103, AAAA deleted; deleting any 4 consecutive bases within chr5:80,675,096-80,675,103 gives the same sequence; the c. name uses the placement nearest the transcript's 3' end. VCF-style (leftmost placement, unchanged base first): chr5-80675095-CAAAA-C. GRCh37 (hg19) VCF-style: chr5-79970914-CAAAA-C.
Other names: short protein forms K382fs.
Identifiers: ClinVar variation 2810274 (VCV002810274.3), dbSNP rs587776701, ClinGen allele CA2739274813.
Genomic context (GRCh38, chr5:80,675,095, plus strand): 5'-GACTGATACTTCTACCAGCTATCTTCTGTGCATCTCTGAAAATAAGGAAAATGTTAGGGA[CAAAA>C]AAAAGGGCAACATTTTTATTGGCATTGTGGTAAGTACTTTGCAGGTGAGGAACAAATGTT-3'